The following is an entry in ClinVar:

NM_000238.4(KCNH2):c.3048C>T (p.Pro1016=)

Gene: KCNH2 (potassium voltage-gated channel subfamily H member 2; minus strand). Cytogenetic location: 7q36.1.
Variant type: single nucleotide variant.
Coding change: c.3048C>T on transcript NM_000238.4 (MANE Select); coding-DNA position 3048, C replaced by T.
Protein change: p.Pro1016=; no amino-acid change (proline 1016 retained).
Molecular consequence: synonymous variant.
Genome position (GRCh38, 1-based): chr7:150,947,432, G>A on the plus strand (C>T on the coding strand, the complement: KCNH2 is on the minus strand). VCF-style: chr7-150947432-G-A. GRCh37 (hg19) VCF-style: chr7-150644520-G-A.
Other names: c.3048C>T (NM_000238.2); c.2028C>T, p.Pro676= (NM_172057.3).
Identifiers: ClinVar variation 629393 (VCV000629393.20), dbSNP rs770968269, ClinGen allele CA036382.

ClinVar aggregate classification (germline): Benign/Likely benign. Review status: criteria provided, multiple submitters, no conflicts (2 of 4 stars). 6 submissions from 6 submitters: Benign (1); Likely benign (5). Last evaluated 2025-11-23.

Conditions:
Long QT syndrome (LQTS). Identifiers: MedGen C0023976, MeSH D008133, MONDO:0002442. Disease mechanism: loss of function. Inheritance: Various modes of inheritance.
Cardiovascular phenotype. Identifiers: MedGen CN230736.
Cardiac arrhythmia. Also called: Arrhythmia; Cardiac rhythm disease. Identifiers: MedGen C0003811, MONDO:0007263, HP:0011675.

Allele frequency attached by ClinVar (database versions not stated): TOPMed 0.00004; gnomAD 0.00006; gnomAD exomes 0.00006 and 0.00013; ExAC 0.00041.

Submissions (6):

Labcorp Genetics (formerly Invitae), Labcorp
Classification: Likely benign for Long QT syndrome. Last evaluated: 2025-11-23. Review status: criteria provided, single submitter. Criteria: Invitae Variant Classification Sherloc (09022015). Collection method: clinical testing. Allele origin: germline.

All of Us Research Program, National Institutes of Health
Classification: Likely benign for Long QT syndrome. Last evaluated: 2024-02-05. Review status: criteria provided, single submitter. Criteria: ACMG Guidelines, 2015. Collection method: clinical testing. Allele origin: germline. Inheritance: Autosomal dominant inheritance. Observed: 9 variant alleles, 9 heterozygotes.
Comment: This study involves interpretation of variants in research participants for the purpose of population health screening. Participant phenotype was not available at the time of variant classification. Additional details can be found in publication PMID: 35346344, PMCID: PMC8962531

Blueprint Genetics
Classification: Likely benign. Last evaluated: 2023-02-13. Review status: criteria provided, single submitter. Criteria: ACMG Guidelines, 2015. Collection method: clinical testing. Allele origin: germline.

Ambry Genetics
Classification: Likely benign for Cardiovascular phenotype. Last evaluated: 2020-05-28. Review status: criteria provided, single submitter. Criteria: Ambry Variant Classification Scheme 2023. Collection method: clinical testing. Allele origin: germline.

Color Diagnostics, LLC DBA Color Health
Classification: Likely benign for Arrhythmia. Last evaluated: 2018-09-28. Review status: criteria provided, single submitter. Criteria: ACMG Guidelines, 2015. Collection method: clinical testing. Allele origin: germline.

GeneDx
Classification: Benign. Last evaluated: 2015-03-03. Review status: criteria provided, single submitter. Criteria: GeneDx Variant Classification Process June 2021. Collection method: clinical testing. Allele origin: germline. Affected: yes.